The following is an entry in ClinVar:

NM_004260.4(RECQL4):c.3187_3188delinsAG (p.Glu1063Arg)

Gene: RECQL4 (RecQ like helicase 4; minus strand). Cytogenetic location: 8q24.3.
Variant type: Indel.
Coding change: c.3187_3188delinsAG on transcript NM_004260.4 (MANE Select); coding-DNA positions 3187 to 3188, GA replaced by AG.
Protein change: p.Glu1063Arg; replaces glutamic acid 1063 with arginine.
Molecular consequence: missense variant.
Genome position (GRCh38, 1-based): chr8:144,512,192-144,512,193, TC replaced by CT on the plus strand (GA replaced by AG on the coding strand, the reverse complement: RECQL4 is on the minus strand). VCF-style: chr8-144512192-TC-CT. GRCh37 (hg19) VCF-style: chr8-145737575-TC-CT.
Other names: short protein forms E1063R.
Identifiers: ClinVar variation 1514554 (VCV001514554.8), dbSNP rs2130658407, ClinGen allele CA2573143056.

ClinVar aggregate classification (germline): Uncertain significance (1 of 4 stars; one submission).

Conditions:
Baller-Gerold syndrome (BGS). Also called: CRANIOSYNOSTOSIS WITH RADIAL DEFECTS. Identifiers: Orphanet 1225, MedGen C0265308, MONDO:0009039, OMIM 218600.

Submission:

Labcorp Genetics (formerly Invitae), Labcorp
Classification: Uncertain significance for Baller-Gerold syndrome. Last evaluated: 2021-03-07. Review status: criteria provided, single submitter. Criteria: Invitae Variant Classification Sherloc (09022015). Collection method: clinical testing. Allele origin: germline.
Comment: In summary, the available evidence is currently insufficient to determine the role of this variant in disease. Therefore, it has been classified as a Variant of Uncertain Significance. Experimental studies and prediction algorithms are not available or were not evaluated, and the functional significance of this variant is currently unknown. This variant has not been reported in the literature in individuals with RECQL4-related conditions. The frequency data for this variant in the population databases is not available, as this variant may be reported as separate entries in the ExAC database. This sequence change replaces glutamic acid with arginine at codon 1063 of the RECQL4 protein (p.Glu1063Arg). The glutamic acid residue is highly conserved and there is a small physicochemical difference between glutamic acid and arginine.